The following is an entry in ClinVar:

NM_178857.6(RP1L1):c.4789G>A (p.Gly1597Arg)

Gene: RP1L1 (RP1 like 1). Cytogenetic location: 8p23.1.
Variant type: single nucleotide variant.
Coding change: c.4789G>A on transcript NM_178857.6 (MANE Select); coding-DNA position 4789, G replaced by A.
Protein change: p.Gly1597Arg; replaces glycine 1597 with arginine.
Molecular consequence: missense variant.
Genome position (GRCh38, 1-based): chr8:10,609,309, C>T on the plus strand (G>A on the coding strand, the complement: RP1L1 is on the minus strand). VCF-style: chr8-10609309-C-T. GRCh37 (hg19) VCF-style: chr8-10466819-C-T.
Other names: short protein forms G1597R.
Identifiers: ClinVar variation 3352219 (VCV003352219.2).

ClinVar aggregate classification (germline): Benign. Review status: criteria provided, single submitter (1 of 4 stars). 2 submissions from 2 submitters: Benign (1). 1 of the submissions does not count toward it. Last evaluated 2024-09-18.

Conditions:
RP1L1-related disorder. Also called: RP1L1-related condition.

gnomAD v4.1: 203 of 1,611,438 alleles (0.013%); highest among the groups gnomAD compares: African/African-American, 0.17%; 1 homozygote.

Submissions (2):

Blueprint Genetics
Classification: Benign. Last evaluated: 2024-09-18. Review status: criteria provided, single submitter. Criteria: ACMG Guidelines, 2015. Collection method: clinical testing. Allele origin: germline.

PreventionGenetics, part of Exact Sciences
Classification: Likely benign for RP1L1-related condition. Last evaluated: 2024-05-24. Review status: no assertion criteria provided. Collection method: clinical testing. Allele origin: germline. Not counted in ClinVar's aggregate classification.
Comment: This variant is classified as likely benign based on ACMG/AMP sequence variant interpretation guidelines (Richards et al. 2015 PMID: 25741868, with internal and published modifications).